The following is an entry in ClinVar:

NM_001113378.2(FANCI):c.834del (p.Ile279fs)

Gene: FANCI (FA complementation group I; plus strand). Cytogenetic location: 15q26.1.
Variant type: Deletion.
Coding change: c.834del on transcript NM_001113378.2 (MANE Select); coding-DNA position 834, one base deleted (C; older notation c.834delC).
Protein change: p.Ile279fs; shifts the reading frame from isoleucine 279.
Molecular consequence: frameshift variant.
Genome position (GRCh38, 1-based): chr15:89,268,477, C deleted; the last of 2 consecutive C bases (chr15:89,268,476-89,268,477); deleting either gives the same sequence. VCF-style (leftmost placement, unchanged base first): chr15-89268475-GC-G. GRCh37 (hg19) VCF-style: chr15-89811706-GC-G.
Other names: c.555del, p.Ile186fs (NM_001376910.1); c.834del, p.Ile279fs (NM_001376911.1, NM_018193.3); short protein forms I279fs, I186fs.
Identifiers: ClinVar variation 1404698 (VCV001404698.9), dbSNP rs748961800, ClinGen allele CA7722783.

ClinVar aggregate classification (germline): Pathogenic/Likely pathogenic. Review status: criteria provided, multiple submitters, no conflicts (2 of 4 stars). 3 submissions from 3 submitters: Pathogenic (1); Likely pathogenic (2). Last evaluated 2025-05-19.

Conditions:
Fanconi anemia (FA). Also called: Fanconi's anemia. Identifiers: Orphanet 84, MedGen C0015625, MeSH D005199, MONDO:0019391.
Fanconi anemia complementation group I (FANCI). Also called: FANCI-Related Fanconi Anemia. Identifiers: Orphanet 84, MedGen C1836861, MONDO:0012186, OMIM 609053.

Submissions (3):

Labcorp Genetics (formerly Invitae), Labcorp
Classification: Pathogenic for Fanconi anemia. Last evaluated: 2025-05-19. Review status: criteria provided, single submitter. Criteria: Invitae Variant Classification Sherloc (09022015). Collection method: clinical testing. Allele origin: germline.
Comment: This sequence change creates a premature translational stop signal (p.Ile279Serfs*7) in the FANCI gene. It is expected to result in an absent or disrupted protein product. Loss-of-function variants in FANCI are known to be pathogenic (PMID: 17452773, 17460694). This variant is present in population databases (rs748961800, gnomAD 0.007%). This variant has not been reported in the literature in individuals affected with FANCI-related conditions. ClinVar contains an entry for this variant (Variation ID: 1404698). Algorithms developed to predict the effect of sequence changes on RNA splicing suggest that this variant may disrupt the consensus splice site. For these reasons, this variant has been classified as Pathogenic.

Fulgent Genetics
Classification: Likely pathogenic for Fanconi anemia complementation group I. Last evaluated: 2024-05-16. Review status: criteria provided, single submitter. Criteria: ACMG Guidelines, 2015. Collection method: clinical testing. Allele origin: germline.

Baylor Genetics
Classification: Likely pathogenic for Fanconi anemia complementation group I. Last evaluated: 2023-11-03. Review status: criteria provided, single submitter. Criteria: ACMG Guidelines, 2015. Collection method: clinical testing. Allele origin: unknown.

Literature cited by the submitters: PubMed 17452773 (cited by Labcorp Genetics (formerly Invitae), Labcorp); PubMed 17460694 (cited by Labcorp Genetics (formerly Invitae), Labcorp).